The following is an entry in ClinVar:

ClinVar aggregate classification (germline): Conflicting classifications of pathogenicity. Review status: criteria provided, conflicting classifications (1 of 4 stars). 3 submissions from 3 submitters: Uncertain significance (2); Likely benign (1). Last evaluated 2025-03-25.

Conditions:
Cardiovascular phenotype. Identifiers: MedGen CN230736.

Allele frequency attached by ClinVar (database versions not stated): gnomAD 0.00002; TOPMed 0.00001.
gnomAD v4.1: 6 of 1,515,184 alleles (0.0004%); highest among the groups gnomAD compares: Non-Finnish European, 0.00053%; no homozygotes.

Submissions (3):

Ambry Genetics
Classification: Likely benign for Cardiovascular phenotype. Last evaluated: 2025-03-25. Review status: criteria provided, single submitter. Criteria: Ambry Variant Classification Scheme 2023. Collection method: clinical testing. Allele origin: germline.

GeneDx
Classification: Uncertain significance. Last evaluated: 2024-11-19. Review status: criteria provided, single submitter. Criteria: GeneDx Variant Classification Process June 2021. Collection method: clinical testing. Allele origin: germline. Affected: yes.
Comment: Not observed at significant frequency in large population cohorts (gnomAD); In silico analysis indicates that this missense variant does not alter protein structure/function; Has not been previously published as pathogenic or benign to our knowledge

Labcorp Genetics (formerly Invitae), Labcorp
Classification: Uncertain significance. Last evaluated: 2022-05-08. Review status: criteria provided, single submitter. Criteria: Invitae Variant Classification Sherloc (09022015). Collection method: clinical testing. Allele origin: germline.
Comment: This sequence change replaces glutamine, which is neutral and polar, with leucine, which is neutral and non-polar, at codon 950 of the ZNF469 protein (p.Gln950Leu). This variant is not present in population databases (gnomAD no frequency). This variant has not been reported in the literature in individuals affected with ZNF469-related conditions. Algorithms developed to predict the effect of missense changes on protein structure and function are either unavailable or do not agree on the potential impact of this missense change (SIFT: "Deleterious"; PolyPhen-2: "Benign"; Align-GVGD: "Class C0"). In summary, the available evidence is currently insufficient to determine the role of this variant in disease. Therefore, it has been classified as a Variant of Uncertain Significance.

NM_001367624.2(ZNF469):c.2849A>T (p.Gln950Leu)

Gene: ZNF469 (zinc finger protein 469; plus strand). Cytogenetic location: 16q24.2.
Variant type: single nucleotide variant.
Coding change: c.2849A>T on transcript NM_001367624.2 (MANE Select); coding-DNA position 2849, A replaced by T.
Protein change: p.Gln950Leu; replaces glutamine 950 with leucine.
Molecular consequence: missense variant.
Genome position (GRCh38, 1-based): chr16:88,430,319, A>T. VCF-style: chr16-88430319-A-T. GRCh37 (hg19) VCF-style: chr16-88496727-A-T.
Other names: NM_001127464.1:c.2849A>T; short protein forms Q950L.
Identifiers: ClinVar variation 2132562 (VCV002132562.5), dbSNP rs1210700951, ClinGen allele CA397075794.